The following is an entry in ClinVar:

NM_000256.3(MYBPC3):c.3107G>A (p.Arg1036His)

Gene: MYBPC3 (myosin binding protein C3; minus strand). Cytogenetic location: 11p11.2.
Variant type: single nucleotide variant.
Coding change: c.3107G>A on transcript NM_000256.3 (MANE Select); coding-DNA position 3107, G replaced by A.
Protein change: p.Arg1036His; replaces arginine 1036 with histidine.
Molecular consequence: missense variant.
Genome position (GRCh38, 1-based): chr11:47,333,640, C>T on the plus strand (G>A on the coding strand, the complement: MYBPC3 is on the minus strand). VCF-style: chr11-47333640-C-T. GRCh37 (hg19) VCF-style: chr11-47355191-C-T.
Other names: p.R1036H:CGC>CAC; short protein forms R1036H.
Identifiers: ClinVar variation 181000 (VCV000181000.27), dbSNP rs374255381, ClinGen allele CA013496.
Genomic context (GRCh38, chr11:47,333,640, plus strand): 5'-GCCTTGTCCTCCATGTTCTCAATGCGCACCGTCACCTGGTAAGTGCCTGAATGCACGCGG[C>T]GAGCGGCCCGGATGAACAGGATGGTGTCTGTGGGGCTGTTGCGGATGCTCACCTCCTCGC-3'
Protein context (NP_000247.2, residues 1026-1046): TDTILFIRAA[Arg1036His]RVHSGTYQVT

ClinVar aggregate classification (germline): Conflicting classifications of pathogenicity. Review status: criteria provided, conflicting classifications (1 of 4 stars). 9 submissions from 9 submitters: Uncertain significance (4); Likely benign (3). 2 of the submissions do not count toward it. Last evaluated 2025-12-29.

Conditions:
Cardiovascular phenotype. Identifiers: MedGen CN230736.
Cardiomyopathy (CMYO). Also called: Cardiomyopathies. Identifiers: Orphanet 167848, MedGen C0878544, MONDO:0004994, HP:0001638. Inheritance: Various modes of inheritance.
Hypertrophic cardiomyopathy. Also called: HYPERTROPHIC MYOCARDIOPATHY. Identifiers: Orphanet 217569, MedGen C0007194, MeSH D002312, MONDO:0005045, HP:0001639.

Allele frequency attached by ClinVar (database versions not stated): ExAC 0.00006; gnomAD exomes 0.00006; gnomAD 0.00007; TOPMed 0.00010; ESP Exome Variant Server 0.00015.
gnomAD v4.1: 114 of 1,608,378 alleles (0.0071%); highest among the groups gnomAD compares: Non-Finnish European, 0.0094%; no homozygotes.

Submissions (9):

Labcorp Genetics (formerly Invitae), Labcorp
Classification: Uncertain significance for Hypertrophic cardiomyopathy. Last evaluated: 2025-12-29. Review status: criteria provided, single submitter. Criteria: Invitae Variant Classification Sherloc (09022015). Collection method: clinical testing. Allele origin: germline.
Comment: This sequence change replaces arginine, which is basic and polar, with histidine, which is basic and polar, at codon 1036 of the MYBPC3 protein (p.Arg1036His). This variant is present in population databases (rs374255381, gnomAD 0.01%). This missense change has been observed in individual(s) with hypertrophic cardiomyopathy (PMID: 25351510, 28356264, 37652022). ClinVar contains an entry for this variant (Variation ID: 181000). An algorithm developed to predict the effect of missense changes on protein structure and function outputs the following: PolyPhen-2: "Benign". The histidine amino acid residue is found in multiple mammalian species, which suggests that this missense change does not adversely affect protein function. In summary, the available evidence is currently insufficient to determine the role of this variant in disease. Therefore, it has been classified as a Variant of Uncertain Significance.

Ambry Genetics
Classification: Likely benign for Cardiovascular phenotype. Last evaluated: 2025-12-04. Review status: criteria provided, single submitter. Criteria: Ambry Variant Classification Scheme 2023. Collection method: clinical testing. Allele origin: germline.

Color Diagnostics, LLC DBA Color Health
Classification: Uncertain significance for Cardiomyopathy. Last evaluated: 2025-11-21. Review status: criteria provided, single submitter. Criteria: ACMG Guidelines, 2015. Collection method: clinical testing. Allele origin: germline.
Comment: This missense variant replaces arginine with histidine at codon 1036 of the MYBPC3 protein. Computational prediction suggests that this variant may not impact protein structure and function. To our knowledge, functional studies have not been reported for this variant. This variant has been reported in individuals affected with hypertrophic cardiomyopathy (PMID: 25351510, 26914223, 28356264). This variant has been identified in 114/1608378 chromosomes in the general population by the Genome Aggregation Database (gnomAD). The available evidence is insufficient to determine the role of this variant in disease conclusively. Therefore, this variant is classified as a Variant of Uncertain Significance.

Blueprint Genetics
Classification: Likely benign. Last evaluated: 2024-06-04. Review status: criteria provided, single submitter. Criteria: ACMG Guidelines, 2015. Collection method: clinical testing. Allele origin: germline.

Laboratory for Molecular Medicine, Mass General Brigham Personalized Medicine
Classification: Likely benign. Last evaluated: 2017-01-31. Review status: criteria provided, single submitter. Criteria: LMM Criteria. Collection method: clinical testing. Allele origin: germline. Observed: 1 variant allele.
Comment: p.Arg1036His in exon 29 of MYBPC3: This variant is not expected to have clinical significance due to a lack of conservation across species, including mammals. O f note, 10 mammals have a histidine (His) at this position despite high nearby a mino acid conservation. This variant has also been identified in 1 individual wi th HCM (Lopes 2015) and 6/66506 of European chromosomes by the Exome Aggregation Consortium (ExAC; dbSNP rs374255381).

GeneDx
Classification: Uncertain significance. Last evaluated: 2016-07-06. Review status: criteria provided, single submitter. Criteria: GeneDx Variant Classification (06012015). Collection method: clinical testing. Allele origin: germline. Affected: yes.
Comment: The R1036H variant has been reported in one patient with HCM (Lopes et al., 2015); however, familial segregation information, in vitro functional studies and additional clinical information was not included. The R1036H variant was not observed with any significant frequency in approximately 6,500 individuals of European and African American ancestry in the NHLBI Exome Sequencing Project. However, the R1036H variant is a conservative amino acid substitution, which is not likely to impact secondary protein structure as these residues share similar properties. Additionally, this substitution occurs at a position that is not conserved across species and where H1036 is the wild type in several species. Finally, in silico analysis is inconsistent in its predictions as to whether or not the variant is damaging to the protein structure/function. Therefore, based on the currently available information, it is unclear whether this variant is pathogenic or rare benign.

CHEO Genetics Diagnostic Laboratory, Children's Hospital of Eastern Ontario
Classification: Uncertain significance for Cardiomyopathy. Last evaluated: 2015-07-07. Review status: criteria provided, single submitter. Criteria: ACMG Guidelines, 2015. Collection method: clinical testing. Allele origin: germline. Study: Canadian Open Genetics Repository.

Diagnostic Laboratory, Department of Genetics, University Medical Center Groningen
Classification: Likely benign. Review status: no assertion criteria provided. Collection method: clinical testing. Allele origin: germline. Affected: yes. Study: VKGL Data-share Consensus. Not counted in ClinVar's aggregate classification.

Genome Diagnostics Laboratory, University Medical Center Utrecht
Classification: Likely benign. Review status: no assertion criteria provided. Collection method: clinical testing. Allele origin: germline. Affected: yes. Study: VKGL Data-share Consensus. Not counted in ClinVar's aggregate classification.

Literature cited by the submitters: PubMed 25351510 (cited by 4 submitters); PubMed 28356264 (cited by 3 submitters); PubMed 37652022 (cited by Labcorp Genetics (formerly Invitae), Labcorp); PubMed 22958901 (cited by Ambry Genetics); PubMed 26914223 (cited by Color Diagnostics, LLC DBA Color Health).